The following is an entry in ClinVar:

ClinVar aggregate classification (germline): Pathogenic (1 of 4 stars; one submission).

Submission:

GeneDx
Classification: Pathogenic. Last evaluated: 2022-09-09. Review status: criteria provided, single submitter. Criteria: GeneDx Variant Classification Process June 2021. Collection method: clinical testing. Allele origin: germline. Affected: yes.
Comment: Frameshift variant predicted to result in protein truncation or nonsense mediated decay in a gene for which loss of function is a known mechanism of disease; Not observed at significant frequency in large population cohorts (gnomAD); Has not been previously published as pathogenic or benign to our knowledge

NM_015443.4(KANSL1):c.1944dup (p.His649fs)

Gene: KANSL1 (KAT8 regulatory NSL complex subunit 1). Cytogenetic location: 17q21.31.
Variant type: Duplication.
Coding change: c.1944dup on transcript NM_015443.4 (MANE Select); coding-DNA position 1944, one base duplicated.
Protein change: p.His649fs; shifts the reading frame from histidine 649.
Molecular consequence: frameshift variant.
Genome position: GRCh38 VCF-style: chr17-46050608-G-GA. GRCh37 (hg19) VCF-style: chr17-44127974-G-GA.
Other names: c.1944dup, p.His649fs (NM_001193465.2, NM_001193466.2, NM_001379198.1); c.1943dup, p.His649Serfs (NM_001405854.1, NM_001405855.1, NM_001405856.1 and 11 more transcripts); c.1841dup, p.His615Serfs (NM_001405859.1, NM_001405860.1, NM_001405861.1 and 1 more transcripts); c.677dup, p.His227Serfs (NM_001405882.1, NM_001405883.1, NM_001405884.1 and 1 more transcripts); short protein forms H649fs.
Identifiers: ClinVar variation 2443573 (VCV002443573.1), dbSNP rs2510649722, ClinGen allele CA2580093995.